The following is an entry in ClinVar:

ClinVar aggregate classification (germline): Uncertain significance (1 of 4 stars; one submission).

Submission:

Mayo Clinic Laboratories, Mayo Clinic
Classification: Uncertain significance. Last evaluated: 2023-09-22. Review status: criteria provided, single submitter. Criteria: ACMG Guidelines, 2015. Collection method: clinical testing. Allele origin: germline. Observed: 1 variant allele.
Comment: BP4, PM2_moderate

NM_020312.4(COQ9):c.68T>G (p.Leu23Arg)

Genes: COQ9 (coenzyme Q9; plus strand), LOC112469007 (Sharpr-MPRA regulatory region 5957; plus strand). Cytogenetic location: 16q21.
Variant type: single nucleotide variant.
Coding change: c.68T>G on transcript NM_020312.4 (MANE Select); coding-DNA position 68, T replaced by G.
Protein change: p.Leu23Arg; replaces leucine 23 with arginine.
Molecular consequence: missense variant.
Genome position (GRCh38, 1-based): chr16:57,447,573, T>G. VCF-style: chr16-57447573-T-G. GRCh37 (hg19) VCF-style: chr16-57481485-T-G.
Other names: p.Leu23Arg; short protein forms L23R.
Identifiers: ClinVar variation 3380396 (VCV003380396.1).